The following is an entry in ClinVar:

ClinVar aggregate classification (germline): Pathogenic/Likely pathogenic. Review status: criteria provided, multiple submitters, no conflicts (2 of 4 stars). 6 submissions from 6 submitters: Pathogenic (5); Likely pathogenic (1). Last evaluated 2022-09-19.

Conditions:
HNF1B-related disorder. Also called: HNF1B-related disorders; HNF1B-related condition.
Type 2 diabetes mellitus. Also called: Type II diabetes mellitus. Identifiers: MedGen C0011860, MeSH D003924, MONDO:0005148, OMIM 125853, HP:0005978.
Nonpapillary renal cell carcinoma. Identifiers: Orphanet 422526, MedGen CN074294, MONDO:0007763, OMIM 144700.
Renal cysts and diabetes syndrome (RCAD). Also called: MATURITY-ONSET DIABETES OF THE YOUNG, TYPE 5; Familial hypoplastic, glomerulocystic kidney. Identifiers: Orphanet 93111, MedGen C0431693, MONDO:0007669, OMIM 137920.

Submissions (6):

Blueprint Genetics
Classification: Pathogenic for HNF1B-related disorders. Last evaluated: 2022-09-19. Review status: criteria provided, single submitter. Criteria: ACMG Guidelines, 2015. Collection method: clinical testing. Allele origin: germline. Affected: yes. Observed: 1 variant allele.

Victorian Clinical Genetics Services, Murdoch Childrens Research Institute
Classification: Pathogenic for Renal cysts and diabetes syndrome. Last evaluated: 2022-09-02. Review status: criteria provided, single submitter. Criteria: ACMG Guidelines, 2015. Collection method: clinical testing. Allele origin: germline. Inheritance: Autosomal dominant inheritance. Affected: yes.
Comment: Based on the classification scheme VCGS_Germline_v1.3.4, this variant is classified as Pathogenic. Following criteria are met: 0103 - Dominant negative, loss of function, and gain of function are all reported mechanisms of disease in this gene and are associated with type 2 diabetes mellitus (MIM#125853) and renal cysts and diabetes syndrome (MIM#137920; OMIM, PMID: 25536396, 11845238, 15509593). (I) 0107 - This gene is associated with autosomal dominant disease. (I) 0115 - Variants in this gene are known to have variable expressivity. There is significant interfamilial and intrafamilial variability of HNF1B-related nephropathy (PMID: 33305128). (I) 0201 - Variant is predicted to cause nonsense-mediated decay (NMD) and loss of protein (premature termination codon is located at least 54 nucleotides upstream of the final exon-exon junction). (SP) 0251 - This variant is heterozygous. (I) 0301 - Variant is absent from gnomAD (both v2 and v3). (SP) 0701 - Other NMD-predicted variants comparable to the one identified in this case have very strong previous evidence for pathogenicity. These variants have been reported many times as pathogenic (DECIPHER). (SP) 0802 - This variant has moderate previous evidence of pathogenicity in unrelated individuals. This variant has been reported as pathogenic, and observed in indidivuals with diabetes mellitus, noninsulin-dependent (MODY) or glomerulocystic kidney disease (ClinVar, PMID: 11085914, PMID: 30259503). (SP) 1208 - Inheritance information for this variant is not currently available in this individual. (I) Legend: (SP) - Supporting pathogenic, (I) - Information, (SB) - Supporting benign

Labcorp Genetics (formerly Invitae), Labcorp
Classification: Pathogenic. Last evaluated: 2021-12-19. Review status: criteria provided, single submitter. Criteria: Invitae Variant Classification Sherloc (09022015). Collection method: clinical testing. Allele origin: germline.
Comment: This sequence change creates a premature translational stop signal (p.Met160*) in the HNF1B gene. It is expected to result in an absent or disrupted protein product. Loss-of-function variants in HNF1B are known to be pathogenic (PMID: 9398836, 12148114, 15068978, 20378641). This variant is not present in population databases (gnomAD no frequency). This premature translational stop signal has been observed in individual(s) with clinical features of HNF1B-related conditions (PMID: 11085914, 24429398). This variant is also known as P159fsdelT. ClinVar contains an entry for this variant (Variation ID: 36849). For these reasons, this variant has been classified as Pathogenic.

Fulgent Genetics
Classification: Pathogenic for Type 2 diabetes mellitus; Renal cysts and diabetes syndrome; Nonpapillary renal cell carcinoma. Last evaluated: 2021-12-03. Review status: criteria provided, single submitter. Criteria: ACMG Guidelines, 2015. Collection method: clinical testing. Allele origin: unknown.

Institute of Human Genetics, FAU Erlangen, Friedrich-Alexander-Universität Erlangen-Nürnberg
Classification: Pathogenic for Renal cysts and diabetes syndrome. Last evaluated: 2019-07-06. Review status: criteria provided, single submitter. Criteria: ACMG Guidelines, 2015. Collection method: literature only. Allele origin: germline. Affected: yes.
Comment: This variant and it's classification has been reported by Vasileiou et al. 2019; DOI:10.1101/576918. The variants has previously been reported in ClinVar:12639; ClinVar:36849; PMID:25700310; PMID:11085914; PMID:24429398; PMID:11085914; PMID:30259503; PMID:25536396 as "HNF1B, 1-BP DEL (P159fsdelT); NM_000458.3(HNF1B):c.477delT (p.Met160Terfs); c.477delT; c.477delT p.M160*; c.477delT p.Met160Terfs; c.477delT" with clinical significance Pathogenic; Likely pathogenic. It has been re-classified using InterVar and manual curation as Pathogenic based on PVS1 PM2 PP3.

Women's Health and Genetics/Laboratory Corporation of America, LabCorp
Classification: Likely pathogenic for MODY5/RCAD. Last evaluated: 2011-08-18. Review status: criteria provided, single submitter. Criteria: LabCorp Variant Classification Summary - May 2015. Collection method: curation, clinical testing. Allele origin: germline. Inheritance: autosomal dominant. Affected: yes. Observed: 2 variant alleles.
ClinVar note: Converted during submission from likely pathogenic to Likely pathogenic.

Literature cited by the submitters: PubMed 11085914 (cited by 4 submitters); PubMed 11845238 (cited by Victorian Clinical Genetics Services, Murdoch Childrens Research Institute); PubMed 15509593 (cited by Victorian Clinical Genetics Services, Murdoch Childrens Research Institute); PubMed 25536396 (cited by Victorian Clinical Genetics Services, Murdoch Childrens Research Institute and Institute of Human Genetics, FAU Erlangen, Friedrich-Alexander-Universität Erlangen-Nürnberg); PubMed 30259503 (cited by Victorian Clinical Genetics Services, Murdoch Childrens Research Institute and Institute of Human Genetics, FAU Erlangen, Friedrich-Alexander-Universität Erlangen-Nürnberg); PubMed 33305128 (cited by Victorian Clinical Genetics Services, Murdoch Childrens Research Institute); PubMed 9398836 (cited by Labcorp Genetics (formerly Invitae), Labcorp); PubMed 12148114 (cited by Labcorp Genetics (formerly Invitae), Labcorp); PubMed 15068978 (cited by Labcorp Genetics (formerly Invitae), Labcorp); PubMed 20378641 (cited by Labcorp Genetics (formerly Invitae), Labcorp); PubMed 24429398 (cited by Labcorp Genetics (formerly Invitae), Labcorp and Institute of Human Genetics, FAU Erlangen, Friedrich-Alexander-Universität Erlangen-Nürnberg); PubMed 25700310 (cited by Institute of Human Genetics, FAU Erlangen, Friedrich-Alexander-Universität Erlangen-Nürnberg); DOI 10.1101/576918 (cited by Institute of Human Genetics, FAU Erlangen, Friedrich-Alexander-Universität Erlangen-Nürnberg); PubMed 18528323 (cited by Women's Health and Genetics/Laboratory Corporation of America, LabCorp).

NM_000458.4(HNF1B):c.477del (p.Pro159_Met160insTer)

Gene: HNF1B (HNF1 homeobox B; minus strand). Cytogenetic location: 17q12.
Variant type: Deletion.
Coding change: c.477del on transcript NM_000458.4 (MANE Select); coding-DNA position 477, one base deleted (T; older notation c.477delT).
Protein change: p.Pro159_Met160insTer.
Molecular consequence: frameshift variant.
Genome position (GRCh38, 1-based): chr17:37,739,507, A deleted on the plus strand (T on the coding strand, the reverse complement: HNF1B is on the minus strand). VCF-style (leftmost placement, unchanged base first): chr17-37739506-TA-T. GRCh37 (hg19) VCF-style: chr17-36099497-TA-T.
Other names: c.477del, p.Pro159_Met160insTer (NM_001165923.4, NM_001304286.2); c.477delT (NM_000458.3).
Identifiers: ClinVar variation 36849 (VCV000036849.14), dbSNP rs193922489, ClinGen allele CA214360.